The following is an entry in ClinVar:

ClinVar aggregate classification (germline): Uncertain significance (1 of 4 stars; one submission).

Allele frequency attached by ClinVar (database versions not stated): gnomAD 0.00001; gnomAD exomes 0.00002; ExAC 0.00010.
gnomAD v4.1: 33 of 1,600,132 alleles (0.0021%); highest among the groups gnomAD compares: East Asian, 0.054%; no homozygotes.

Submission:

Labcorp Genetics (formerly Invitae), Labcorp
Classification: Uncertain significance. Last evaluated: 2022-03-31. Review status: criteria provided, single submitter. Criteria: Invitae Variant Classification Sherloc (09022015). Collection method: clinical testing. Allele origin: germline.
Comment: In summary, the available evidence is currently insufficient to determine the role of this variant in disease. Therefore, it has been classified as a Variant of Uncertain Significance. Algorithms developed to predict the effect of missense changes on protein structure and function output the following: SIFT: "Tolerated"; PolyPhen-2: "Benign"; Align-GVGD: "Class C0". The threonine amino acid residue is found in multiple mammalian species, which suggests that this missense change does not adversely affect protein function. This variant has not been reported in the literature in individuals affected with LAMA5-related conditions. The frequency data for this variant in the population databases is considered unreliable, as metrics indicate poor data quality at this position in the gnomAD database. This sequence change replaces alanine, which is neutral and non-polar, with threonine, which is neutral and polar, at codon 2247 of the LAMA5 protein (p.Ala2247Thr).

NM_005560.6(LAMA5):c.6739G>A (p.Ala2247Thr)

Gene: LAMA5 (laminin subunit alpha 5; minus strand). Cytogenetic location: 20q13.33.
Variant type: single nucleotide variant.
Coding change: c.6739G>A on transcript NM_005560.6 (MANE Select); coding-DNA position 6739, G replaced by A.
Protein change: p.Ala2247Thr; replaces alanine 2247 with threonine.
Molecular consequence: missense variant.
Genome position (GRCh38, 1-based): chr20:62,320,579, C>T on the plus strand (G>A on the coding strand, the complement: LAMA5 is on the minus strand). VCF-style: chr20-62320579-C-T. GRCh37 (hg19) VCF-style: chr20-60895635-C-T.
Other names: short protein forms A2247T.
Identifiers: ClinVar variation 1983041 (VCV001983041.4), dbSNP rs749074775, ClinGen allele CA9941592.
Genomic context (GRCh38, chr20:62,320,579, plus strand): 5'-GAAAGCCTCCCGGGGCCCTGGGGGGTCTTGGGGCTCCTGCCTGGCCGCCTAGCCGCCGTG[C>T]GTCCTGCCCGAGGCTTGTGCTCTGCTGCTCCAGCACCTCCAGCTGCTGTGCCGTCTCATG-3'
Protein context (NP_005551.3, residues 2237-2257): EQQSTSLGQD[Ala2247Thr]RRLGGQAVGT